The following is an entry in ClinVar:

ClinVar aggregate classification (germline): Uncertain significance (1 of 4 stars; one submission).

Submission:

GeneDx
Classification: Uncertain significance. Last evaluated: 2026-03-26. Review status: criteria provided, single submitter. Criteria: GeneDx Variant Classification Process June 2021. Collection method: clinical testing. Allele origin: germline.
Comment: Not observed at significant frequency in large population cohorts (gnomAD); In silico analysis supports that this missense variant has a deleterious effect on protein structure/function; Has not been previously published as pathogenic or benign to our knowledge.

NM_015021.3(ZNF292):c.611A>T (p.Gln204Leu)

Gene: ZNF292 (zinc finger protein 292; plus strand). Cytogenetic location: 6q14.3.
Variant type: single nucleotide variant.
Coding change: c.611A>T on transcript NM_015021.3 (MANE Select); coding-DNA position 611, A replaced by T.
Protein change: p.Gln204Leu; replaces glutamine 204 with leucine.
Molecular consequence: missense variant.
Genome position (GRCh38, 1-based): chr6:87,233,397, A>T. VCF-style: chr6-87233397-A-T. GRCh37 (hg19) VCF-style: chr6-87943115-A-T.
Other names: c.191A>T, p.Gln64Leu (NM_001351444.2); short protein forms Q204L, Q64L.
Identifiers: ClinVar variation 5017041 (VCV005017041.1).